The following is an entry in ClinVar:

NM_013372.7(GREM1):c.331C>A (p.Arg111Ser)

Gene: GREM1 (gremlin 1, DAN family BMP antagonist; plus strand). Cytogenetic location: 15q13.3.
Variant type: single nucleotide variant.
Coding change: c.331C>A on transcript NM_013372.7 (MANE Select); coding-DNA position 331, C replaced by A.
Protein change: p.Arg111Ser; replaces arginine 111 with serine.
Molecular consequence: missense variant.
Genome position (GRCh38, 1-based): chr15:32,731,021, C>A. VCF-style: chr15-32731021-C-A. GRCh37 (hg19) VCF-style: chr15-33023222-C-A.
Other names: c.121C>A, p.Arg41Ser (NM_001191322.2); c.208C>A, p.Arg70Ser (NM_001191323.2); c.331C>A, p.Arg111Ser (NM_001368719.1); short protein forms R41S, R111S, R70S.
Identifiers: ClinVar variation 3282661 (VCV003282661.1).

ClinVar aggregate classification (germline): Uncertain significance (1 of 4 stars; one submission).

Conditions:
Hereditary cancer-predisposing syndrome. Also called: Tumor predisposition; Hereditary Cancer Syndrome; Hereditary neoplastic syndrome; Neoplastic Syndromes, Hereditary. Identifiers: Orphanet 140162, MedGen C0027672, MeSH D009386, MONDO:0015356.

Submission:

Ambry Genetics
Classification: Uncertain significance for Hereditary cancer-predisposing syndrome. Last evaluated: 2024-04-25. Review status: criteria provided, single submitter. Criteria: Ambry Variant Classification Scheme 2023. Collection method: clinical testing. Allele origin: germline.
Comment: The p.R111S variant (also known as c.331C>A), located in coding exon 1 of the GREM1 gene, results from a C to A substitution at nucleotide position 331. The arginine at codon 111 is replaced by serine, an amino acid with dissimilar properties. This amino acid position is conserved. In addition, the in silico prediction for this alteration is inconclusive. Based on the available evidence, the clinical significance of this variant remains unclear.